The following is an entry in ClinVar:

ClinVar aggregate classification (germline): Uncertain significance (1 of 4 stars; one submission).

Conditions:
EGFR-related lung cancer (EGFR). Identifiers: MedGen CN130014.

Submission:

Labcorp Genetics (formerly Invitae), Labcorp
Classification: Uncertain significance for EGFR-related lung cancer. Last evaluated: 2020-02-13. Review status: criteria provided, single submitter. Criteria: Invitae Variant Classification Sherloc (09022015). Collection method: clinical testing. Allele origin: germline.
Comment: Algorithms developed to predict the effect of missense changes on protein structure and function (SIFT, PolyPhen-2, Align-GVGD) all suggest that this variant is likely to be tolerated, but these predictions have not been confirmed by published functional studies and their clinical significance is uncertain. In summary, the available evidence is currently insufficient to determine the role of this variant in disease. Therefore, it has been classified as a Variant of Uncertain Significance. This variant has not been reported in the literature in individuals with EGFR-related conditions. This variant is not present in population databases (ExAC no frequency). This sequence change replaces aspartic acid with glutamic acid at codon 612 of the EGFR protein (p.Asp612Glu). The aspartic acid residue is moderately conserved and there is a small physicochemical difference between aspartic acid and glutamic acid.

NM_005228.5(EGFR):c.1836C>A (p.Asp612Glu)

Gene: EGFR (epidermal growth factor receptor; plus strand). Cytogenetic location: 7p11.2.
Variant type: single nucleotide variant.
Coding change: c.1836C>A on transcript NM_005228.5 (MANE Select); coding-DNA position 1836, C replaced by A.
Protein change: p.Asp612Glu; replaces aspartic acid 612 with glutamic acid.
Molecular consequence: missense variant.
Genome position (GRCh38, 1-based): chr7:55,165,393, C>A. VCF-style: chr7-55165393-C-A. GRCh37 (hg19) VCF-style: chr7-55233086-C-A.
Other names: c.1701C>A, p.Asp567Glu (NM_001346897.2, NM_001346899.2); c.1836C>A, p.Asp612Glu (NM_001346898.2, NM_201282.2, NM_201284.2); c.1677C>A, p.Asp559Glu (NM_001346900.2); c.1035C>A, p.Asp345Glu (NM_001346941.2); short protein forms D345E, D559E, D567E, D612E.
Identifiers: ClinVar variation 1022124 (VCV001022124.9), dbSNP rs150803480, ClinGen allele CA367581041.